The following is an entry in ClinVar:

NM_000051.4(ATM):c.6976-11_6976-8delinsATA

Genes: ATM (ATM serine/threonine kinase; plus strand), C11orf65 (chromosome 11 open reading frame 65; minus strand). Cytogenetic location: 11q22.3.
Variant type: Indel.
Coding change: c.6976-11_6976-8delinsATA on transcript NM_000051.4 (MANE Select); 11 bases into the intron before coding-DNA position 6976 through 8 bases into the intron before coding-DNA position 6976, TTCT replaced by ATA.
Molecular consequence: intron variant.
Genome position (GRCh38, 1-based): chr11:108,327,634-108,327,637, TTCT replaced by ATA. VCF-style: chr11-108327634-TTCT-ATA. GRCh37 (hg19) VCF-style: chr11-108198361-TTCT-ATA.
Other names: c.6976-11_6976-8delinsATA (NM_001351834.2); c.641-18566_641-18563delinsTAT (NM_001330368.2); c.*38+7583_*38+7586delinsTAT (NM_001351110.2).
Identifiers: ClinVar variation 1756397 (VCV001756397.2), dbSNP rs2547231020, ClinGen allele CA2580083163.

ClinVar aggregate classification (germline): Likely pathogenic (1 of 4 stars; one submission).

Conditions:
Hereditary cancer-predisposing syndrome. Also called: Hereditary neoplastic syndrome; Neoplastic Syndromes, Hereditary; Tumor predisposition; Hereditary Cancer Syndrome. Identifiers: Orphanet 140162, MedGen C0027672, MeSH D009386, MONDO:0015356.

Submission:

Ambry Genetics
Classification: Likely pathogenic for Hereditary cancer-predisposing syndrome. Last evaluated: 2022-06-22. Review status: criteria provided, single submitter. Criteria: Ambry Variant Classification Scheme 2023. Collection method: clinical testing. Allele origin: germline.
Comment: The c.6976-11_6976-8delTTCTinsATA intronic variant, located in intron 46 of the ATM gene, results from the deletion of 4 nucleotides and the insertion of 3 nucleotides at nucleotide position c.6976-11 to 6976-8. This nucleotide position is not well conserved in available vertebrate species. In silico splice site analysis predicts that this alteration will weaken the native splice acceptor site. RNA studies have demonstrated that this alteration results in abnormal splicing in the set of samples tested (Ambry internal data). This variant is considered to be rare based on population cohorts in the Genome Aggregation Database (gnomAD). Based on the majority of available evidence to date, this variant is likely to be pathogenic.